The following is an entry in ClinVar:

ClinVar aggregate classification (germline): Uncertain significance. Review status: criteria provided, multiple submitters, no conflicts (2 of 4 stars). 2 submissions from 2 submitters: Uncertain significance (2). Last evaluated 2024-03-29.

Conditions:
Houge-Janssens syndrome 2. Also called: PPP2R1A-Related Neurodevelopmental Disorder; Microcephaly-corpus callosum hypoplasia-intellectual disability-facial dysmorphism syndrome; INTELLECTUAL DEVELOPMENTAL DISORDER, AUTOSOMAL DOMINANT 36. Identifiers: Orphanet 457284, MedGen C4225352, MONDO:0014605, OMIM 616362.

Allele frequency attached by ClinVar (database versions not stated): gnomAD 0.00001; gnomAD exomes 0.00001 and 0.00002; TOPMed 0.00002.
gnomAD v4.1: 6 of 1,613,906 alleles (0.00037%); highest among the groups gnomAD compares: Admixed American, 0.005%; no homozygotes.

Submissions (2):

Genomic Medicine Center of Excellence, King Faisal Specialist Hospital and Research Centre
Classification: Uncertain significance for Houge-Janssens syndrome 2. Last evaluated: 2024-03-29. Review status: criteria provided, single submitter. Criteria: ACMG Guidelines, 2015. Collection method: clinical testing. Allele origin: germline.

Labcorp Genetics (formerly Invitae), Labcorp
Classification: Uncertain significance. Last evaluated: 2022-11-23. Review status: criteria provided, single submitter. Criteria: Invitae Variant Classification Sherloc (09022015). Collection method: clinical testing. Allele origin: germline.
Comment: In summary, the available evidence is currently insufficient to determine the role of this variant in disease. Therefore, it has been classified as a Variant of Uncertain Significance. Advanced modeling of protein sequence and biophysical properties (such as structural, functional, and spatial information, amino acid conservation, physicochemical variation, residue mobility, and thermodynamic stability) performed at Invitae indicates that this missense variant is not expected to disrupt PPP2R1A protein function. ClinVar contains an entry for this variant (Variation ID: 1372237). This variant has not been reported in the literature in individuals affected with PPP2R1A-related conditions. This variant is present in population databases (no rsID available, gnomAD 0.006%). This sequence change replaces isoleucine, which is neutral and non-polar, with valine, which is neutral and non-polar, at codon 115 of the PPP2R1A protein (p.Ile115Val).

NM_014225.6(PPP2R1A):c.343A>G (p.Ile115Val)

Gene: PPP2R1A (protein phosphatase 2 scaffold subunit Aalpha; plus strand). Cytogenetic location: 19q13.41.
Variant type: single nucleotide variant.
Coding change: c.343A>G on transcript NM_014225.6 (MANE Select); coding-DNA position 343, A replaced by G.
Protein change: p.Ile115Val; replaces isoleucine 115 with valine.
Molecular consequence: missense variant. On other transcripts: 5 prime UTR variant (1), non-coding transcript variant (1).
Genome position (GRCh38, 1-based): chr19:52,211,332, A>G. VCF-style: chr19-52211332-A-G. GRCh37 (hg19) VCF-style: chr19-52714585-A-G.
Other names: c.-195A>G (NM_001363656.2); short protein forms I115V.
Identifiers: ClinVar variation 1372237 (VCV001372237.9), dbSNP rs965521747, ClinGen allele CA309865083.